The following is an entry in ClinVar:

ClinVar aggregate classification (germline): Uncertain significance (1 of 4 stars; one submission).

Conditions:
Myofibrillar myopathy 6. Identifiers: Orphanet 199340, MedGen C2751831, MONDO:0013061, OMIM 612954.
Dilated cardiomyopathy 1HH (CMD1HH). Identifiers: Orphanet 154, MedGen C3151293, MONDO:0013479, OMIM 613881.

Submission:

Labcorp Genetics (formerly Invitae), Labcorp
Classification: Uncertain significance for Dilated cardiomyopathy 1HH; Myofibrillar myopathy 6. Last evaluated: 2020-10-29. Review status: criteria provided, single submitter. Criteria: Invitae Variant Classification Sherloc (09022015). Collection method: clinical testing. Allele origin: germline.
Comment: In summary, the available evidence is currently insufficient to determine the role of this variant in disease. Therefore, it has been classified as a Variant of Uncertain Significance. Experimental studies and prediction algorithms are not available or were not evaluated, and the functional significance of this variant is currently unknown. This variant has been observed in individual(s) with clinical features of dilated cardiomyopathy (Invitae). This variant is also known as c.508-4_519dup (p.Pro174Alafs*10). This variant is not present in population databases (ExAC no frequency). This sequence change falls in intron 2 of the BAG3 gene. It does not directly change the encoded amino acid sequence of the BAG3 protein.

NM_004281.4(BAG3):c.508-4_519dup

Gene: BAG3 (BAG cochaperone 3; plus strand). Cytogenetic location: 10q26.11.
Variant type: Duplication.
Coding change: c.508-4_519dup on transcript NM_004281.4 (MANE Select); 4 bases into the intron before coding-DNA position 508 through coding-DNA position 519, 16 bases duplicated (GCAGCGGTCCCAGTCT).
Molecular consequence: splice acceptor variant.
Genome position (GRCh38, 1-based): chr10:119,672,251-119,672,266, GCAGCGGTCCCAGTCT duplicated; duplicating any 16 consecutive bases within chr10:119,672,250-119,672,266 gives the same sequence; the c. name uses the placement nearest the transcript's 3' end. VCF-style (leftmost placement, unchanged base first): chr10-119672249-T-TTGCAGCGGTCCCAGTC. GRCh37 (hg19) VCF-style: chr10-121431761-T-TTGCAGCGGTCCCAGTC.
Identifiers: ClinVar variation 1010292 (VCV001010292.7), dbSNP rs1847159825, ClinGen allele CA1940192978.
Genomic context (GRCh38, chr10:119,672,249, plus strand): 5'-TGGTCAGGATGCCAAGCCAGGGGAGTCATTTGTGGGGTCATGCCCTCTACCCTGTGTCTC[T>TTGCAGCGGTCCCAGTC]TGCAGCGGTCCCAGTCTCCAGCTGCCTCTGACTGCTCATCCTCATCCTCCTCGGCCAGCC-3'